The following is an entry in ClinVar:

ClinVar aggregate classification (germline): Benign (1 of 4 stars; one submission).

Conditions:
Sulfite oxidase deficiency due to molybdenum cofactor deficiency type A. Also called: Molybdenum Cofactor Deficiency A; Molybdenum cofactor deficiency, complementation group A. Identifiers: Orphanet 308386, Orphanet 833, MedGen C1854988, MONDO:0009643, OMIM 252150.

Allele frequency attached by ClinVar (database versions not stated): 1000 Genomes Project 0.01577; 1000 Genomes Project 30x 0.01686; gnomAD 0.02273 and 0.02309; TOPMed 0.02353; gnomAD exomes 0.02821 and 0.03199; ExAC 0.03751.
gnomAD v4.1: 13,735 of 471,182 alleles (2.9%); highest among the groups gnomAD compares: Middle Eastern, 7.5%; 284 homozygotes.

Submission:

Illumina Laboratory Services, Illumina
Classification: Benign for Sulfite oxidase deficiency due to molybdenum cofactor deficiency type A. Last evaluated: 2018-01-13. Review status: criteria provided, single submitter. Criteria: ICSL Variant Classification Criteria 13 December 2019. Collection method: clinical testing. Allele origin: germline.
Comment: This variant was observed in the ICSL laboratory as part of a predisposition screen in an ostensibly healthy population. It had not been previously curated by ICSL or reported in the Human Gene Mutation Database (HGMD: prior to June 1st, 2018), and was therefore a candidate for classification through an automated scoring system. Utilizing variant allele frequency, disease prevalence and penetrance estimates, and inheritance mode, an automated score was calculated to assess if this variant is too frequent to cause the disease. Based on the score and internal cut-off values, a variant classified as benign is not then subjected to further curation. The score for this variant resulted in a classification of benign for this disease.

NM_001358530.2(MOCS1):c.*734C>G

Gene: MOCS1 (molybdenum cofactor synthesis 1; minus strand). Cytogenetic location: 6p21.2.
Variant type: single nucleotide variant.
Coding change: c.*734C>G on transcript NM_001358530.2 (MANE Select); 734 bases downstream of the stop codon, C replaced by G.
Molecular consequence: 3 prime UTR variant. On other transcripts: non-coding transcript variant (1).
Genome position (GRCh38, 1-based): chr6:39,905,623, G>C on the plus strand (C>G on the coding strand, the complement: MOCS1 is on the minus strand). VCF-style: chr6-39905623-G-C. GRCh37 (hg19) VCF-style: chr6-39873399-G-C.
Other names: c.*1502C>G (NM_001075098.4, NM_001358533.2, NM_001358534.2 and 1 more transcripts); c.*734C>G (NM_001358529.2, NM_001358531.2).
Identifiers: ClinVar variation 356626 (VCV000356626.5), dbSNP rs1063171, ClinGen allele CA3795717.